The following is an entry in ClinVar:

NM_007294.4(BRCA1):c.74C>T (p.Pro25Leu)

Gene: BRCA1 (BRCA1 DNA repair associated; minus strand). Cytogenetic location: 17q21.31.
Variant type: single nucleotide variant.
Coding change: c.74C>T on transcript NM_007294.4 (MANE Select); coding-DNA position 74, C replaced by T.
Protein change: p.Pro25Leu; replaces proline 25 with leucine.
Molecular consequence: missense variant. On other transcripts: 5 prime UTR variant (1), non-coding transcript variant (1).
Genome position (GRCh38, 1-based): chr17:43,124,023, G>A on the plus strand (C>T on the coding strand, the complement: BRCA1 is on the minus strand). VCF-style: chr17-43124023-G-A. GRCh37 (hg19) VCF-style: chr17-41276040-G-A.
Other names: NM_007294.4(BRCA1):c.74C>T; p.Pro25Leu; c.74C>T, p.Pro25Leu (NM_001408447.1, NM_001408448.1, NM_001408450.1 and 193 more transcripts); c.-187C>T (NM_001408452.1, NM_001408462.1, NM_001408463.1 and 22 more transcripts); c.-14C>T (NM_001408454.1, NM_001408459.1, NM_001408460.1 and 23 more transcripts); c.-184C>T (NM_001408455.1, NM_001408456.1, NM_001408468.1 and 11 more transcripts); c.-188C>T (NM_001408465.1, NM_001407695.1); c.-115C>T (NM_001408478.1, NM_001408479.1, NM_001408480.1 and 46 more transcripts); and 10 more; short protein forms P25L.
Identifiers: ClinVar variation 232955 (VCV000232955.19), dbSNP rs876660096, ClinGen allele CA10580713.
Genomic context (GRCh38, chr17:43,124,023, plus strand): 5'-GCATAGGAGATAATCATAGGAATCCCAAATTAATACACTCTTGTGCTGACTTACCAGATG[G>A]GACACTCTAAGATTTTCTGCATAGCATTAATGACATTTTGTACTTCTTCAACGCGAAGAG-3'
Protein context (NP_009225.1, residues 15-35): INAMQKILEC[Pro25Leu]ICLELIKEPV

ClinVar aggregate classification (germline): Likely pathogenic. Review status: reviewed by expert panel (3 of 4 stars). 6 submissions from 6 submitters: Likely pathogenic (1). 5 of the submissions do not count toward it. Last evaluated 2025-05-23.

Conditions:
Breast and/or ovarian cancer. Identifiers: MedGen CN221562.
Hereditary breast ovarian cancer syndrome. Also called: Breast and ovarian cancer; Hereditary breast and ovarian cancer; Hereditary breast and ovarian cancer syndrome; Hereditary breast and/or ovarian cancer syndrome; BRCA1- and BRCA2-Associated Hereditary Breast and Ovarian Cancer; Hereditary breast and ovarian cancer syndrome (HBOC). Identifiers: Orphanet 145, MedGen C0677776, MeSH D061325, MONDO:0003582. Disease mechanism: loss of function.
BRCA1-related cancer predisposition. Identifiers: MedGen CN377757, MONDO:0700268.
Hereditary cancer-predisposing syndrome. Also called: Tumor predisposition; Hereditary Cancer Syndrome; Neoplastic Syndromes, Hereditary; Hereditary neoplastic syndrome. Identifiers: Orphanet 140162, MedGen C0027672, MeSH D009386, MONDO:0015356.

Allele frequency attached by ClinVar (database versions not stated): gnomAD exomes below 0.00001.
gnomAD v4.1: 1 of 1,611,362 alleles (0.000062%); highest among the groups gnomAD compares: African/African-American, 0.0013%; no homozygotes.

Submissions (7):

ClinGen ENIGMA BRCA1 and BRCA2 Variant Curation Expert Panel, ClinGen
Classification: Likely pathogenic for BRCA1-related cancer predisposition. Last evaluated: 2025-05-23. Review status: reviewed by expert panel. Criteria: CSpec BRCA1/2ACMG Rules Specifications V1.2. Collection method: curation. Allele origin: germline. Inheritance: Autosomal dominant inheritance.
Comment: The c.74C>T variant in BRCA1 is a missense variant predicted to cause substitution of proline by leucine at amino acid 25 (p.Pro25Leu). This variant is absent from gnomAD v2.1 (exomes only, non-cancer subset, read depth ≥25) and gnomAD v3.1 (non-cancer subset, read depth ≥25) (PM2_Supporting met). This BRCA1 missense variant is within a key functional domain and the computational predictor BayesDel (noAF) gives a score of 0.35, above the recommended threshold of 0.28 for prediction of impact on BRCA1 function via protein change. A SpliceAI score of 0.02 predicts no impact on splicing (score threshold ≤0.1) (PP3 met). Reported by two calibrated studies to exhibit protein function similar to pathogenic control variants (PMIDs:30209399, 35659930) (PS3 met). In summary, this variant meets the criteria to be classified as a likely pathogenic variant for BRCA1-related cancer predisposition based on the ACMG/AMP criteria applied as specified by the ENIGMA BRCA1/2 VCEP (PM2_Supporting, PP3, PS3).

Ambry Genetics
Classification: Likely pathogenic for Hereditary cancer-predisposing syndrome. Last evaluated: 2025-06-06. Review status: criteria provided, single submitter. Criteria: Ambry Variant Classification Scheme 2023. Collection method: clinical testing. Allele origin: germline. Not counted in ClinVar's aggregate classification.
Comment: The p.P25L variant (also known as c.74C>T), located in coding exon 1 of the BRCA1 gene, results from a C to T substitution at nucleotide position 74. The proline at codon 25 is replaced by leucine, an amino acid with similar properties. One functional study found that this nucleotide substitution is non-functional in a high-throughput, genome editing, haploid cell survival assay (Findlay GM et al. Nature, 2018 10;562:217-222). This alteration has been identified in 1/7400 Czech families with suspected hereditary predisposition to breast and/or ovarian cancer (Machackova E et al. Klin Onkol, 2019;32:51-71). Based on internal structural analysis, this variant is anticipated to result in a significant decrease in structural stability (Brzovic PS et al. Nat Struct Biol, 2001 Oct;8:833-7; Ambry internal data). This variant is considered to be rare based on population cohorts in the Genome Aggregation Database (gnomAD). This amino acid position is highly conserved in available vertebrate species. In addition, this alteration is predicted to be deleterious by in silico analysis. Based on the majority of available evidence to date, this variant is likely to be pathogenic.

Labcorp Genetics (formerly Invitae), Labcorp
Classification: Uncertain significance for Hereditary breast ovarian cancer syndrome. Last evaluated: 2025-06-04. Review status: criteria provided, single submitter. Criteria: Invitae Variant Classification Sherloc (09022015). Collection method: clinical testing. Allele origin: germline. Not counted in ClinVar's aggregate classification.
Comment: This sequence change replaces proline, which is neutral and non-polar, with leucine, which is neutral and non-polar, at codon 25 of the BRCA1 protein (p.Pro25Leu). This variant is not present in population databases (gnomAD no frequency). This variant has not been reported in the literature in individuals affected with BRCA1-related conditions. ClinVar contains an entry for this variant (Variation ID: 232955). Invitae Evidence Modeling incorporating data from in vitro experimental studies (PMID: 30209399) indicates that this missense variant is expected to disrupt BRCA1 function with a positive predictive value of 95%. In summary, the available evidence is currently insufficient to determine the role of this variant in disease. Therefore, it has been classified as a Variant of Uncertain Significance.

GeneDx
Classification: Uncertain significance. Last evaluated: 2016-02-09. Review status: criteria provided, single submitter. Criteria: GeneDx Variant Classification (06012015). Collection method: clinical testing. Allele origin: germline. Affected: yes. Not counted in ClinVar's aggregate classification.
Comment: This variant is denoted BRCA1 c.74C>T at the cDNA level, p.Pro25Leu (P25L) at the protein level, and results in the change of a Proline to a Leucine (CCC>CTC). Using alternate nomenclature, this variant would be defined as BRCA1 193C>T. This variant has not, to our knowledge, been published in the literature as pathogenic or benign. BRCA1 Pro25Leu was not observed in approximately 6,500 individuals of European and African American ancestry in the NHLBI Exome Sequencing Project, suggesting it is not a common benign variant in these populations. Since Proline and Leucine differ in some properties, this is considered a semi-conservative amino acid substitution. BRCA1 Pro25Leu occurs at a position that is conserved across species and is located in the RING finger domain as well as a region known to interact with multiple other proteins (Narod 2004, Paul 2014). In silico analyses predict that this variant is probably damaging to protein structure and function. Based on currently available evidence, it is unclear whether BRCA1 Pro25Leu is a pathogenic or benign variant. We consider it to be a variant of uncertain significance.

Foulkes Cancer Genetics LDI, Lady Davis Institute for Medical Research
Classification: Uncertain significance for Breast and/or ovarian cancer. Last evaluated: 2016-01-28. Review status: no assertion criteria provided. Collection method: clinical testing. Allele origin: germline. Study: The Canadian Open Genetics Repository (COGR). Not counted in ClinVar's aggregate classification.

Brotman Baty Institute, University of Washington
No classification provided (evidence only). Condition: Breast-ovarian cancer, familial 1. Review status: no classification provided. Collection method: in vitro. Allele origin: not applicable. Functional consequence: functionally_abnormal. Not counted in ClinVar's aggregate classification.
ClinVar note: "not provided" was previously submitted as the classification for the variant. However, the classification appeared to be based only on an observation of functional data so it was converted to no classification on 2025-07-30.

Department of Pathology and Laboratory Medicine, Sinai Health System
Classification: Uncertain significance. Review status: no assertion criteria provided. Collection method: clinical testing. Allele origin: unknown. Affected: yes. Study: The Canadian Open Genetics Repository (COGR). Not counted in ClinVar's aggregate classification.
Comment: The BRCA1 p.Pro25Leu variant was not identified in the literature nor was it identified in the LOVD 3.0 or UMD-LSDB databases. The variant was identified in dbSNP (ID: rs876660096) as "With Uncertain significance allele", ClinVar (classified as uncertain significance by Ambry Genetics, Invitae, GeneDx and Foulkes Cancer Genetics).The variant was not identified in the following control databases: the Exome Aggregation Consortium (August 8th 2016), or the Genome Aggregation Database (Feb 27, 2017).A homology directed recombination efficiency assay indicated this variant has deficient homologous recombination (Yi 2018, Ambry Genetics ACMG poster). The p.Pro25 residue is conserved in mammals and computational analyses (PolyPhen-2, SIFT, AlignGVGD, BLOSUM, MutationTaster) provide inconsistent predictions regarding the impact to the protein; this information is not very predictive of pathogenicity. The variant occurs outside of the splicing consensus sequence and in silico or computational prediction software programs (SpliceSiteFinder, MaxEntScan, NNSPLICE, GeneSplicer) do not predict a difference in splicing. In summary, based on the above information the clinical significance of this variant cannot be determined with certainty at this time. This variant is classified as a variant of uncertain significance.

Literature cited by the submitters: PubMed 30209399 (cited by 3 submitters); PubMed 11573085 (cited by Ambry Genetics); PubMed 31409081 (cited by Ambry Genetics).